The following is an entry in ClinVar:

ClinVar aggregate classification (germline): Uncertain significance (1 of 4 stars; one submission).

Conditions:
Autosomal recessive ataxia, Beauce type. Also called: SYNE1-Related Autosomal Recessive Cerebellar Ataxia; Spinocerebellar ataxia, autosomal recessive 8; ATAXIA, RECESSIVE, OF BEAUCE; SYNE1 Deficiency. Identifiers: Orphanet 88644, MedGen C1853116, MONDO:0012549, OMIM 610743.
Emery-Dreifuss muscular dystrophy 4, autosomal dominant (EDMD4). Also called: EMERY-DREIFUSS MUSCULAR DYSTROPHY 4 WITH VARIABLE FEATURES. Identifiers: Orphanet 261, MedGen C2751807, MONDO:0013071, OMIM 612998.

gnomAD v4.1: 3 of 1,613,994 alleles (0.00019%); highest among the groups gnomAD compares: South Asian, 0.0033%; no homozygotes.

Submission:

Labcorp Genetics (formerly Invitae), Labcorp
Classification: Uncertain significance for Emery-Dreifuss muscular dystrophy 4, autosomal dominant; Autosomal recessive ataxia, Beauce type. Last evaluated: 2021-02-22. Review status: criteria provided, single submitter. Criteria: Invitae Variant Classification Sherloc (09022015). Collection method: clinical testing. Allele origin: germline.
Comment: In summary, the available evidence is currently insufficient to determine the role of this variant in disease. Therefore, it has been classified as a Variant of Uncertain Significance. Algorithms developed to predict the effect of missense changes on protein structure and function are either unavailable or do not agree on the potential impact of this missense change (SIFT: "Deleterious"; PolyPhen-2: "Probably Damaging"; Align-GVGD: "Class C0"). This variant has not been reported in the literature in individuals with SYNE1-related conditions. This variant is not present in population databases (ExAC no frequency). This sequence change replaces leucine with glutamine at codon 1275 of the SYNE1 protein (p.Leu1275Gln). The leucine residue is highly conserved and there is a moderate physicochemical difference between leucine and glutamine.

NM_182961.4(SYNE1):c.3803T>A (p.Leu1268Gln)

Gene: SYNE1 (spectrin repeat containing nuclear envelope protein 1; minus strand). Cytogenetic location: 6q25.2.
Variant type: single nucleotide variant.
Coding change: c.3803T>A on transcript NM_182961.4 (MANE Select); coding-DNA position 3803, T replaced by A.
Protein change: p.Leu1268Gln; replaces leucine 1268 with glutamine.
Molecular consequence: missense variant.
Genome position (GRCh38, 1-based): chr6:152,444,445, A>T on the plus strand (T>A on the coding strand, the complement: SYNE1 is on the minus strand). VCF-style: chr6-152444445-A-T. GRCh37 (hg19) VCF-style: chr6-152765580-A-T.
Other names: c.3824T>A, p.Leu1275Gln (NM_033071.5); short protein forms L1268Q, L1275Q.
Identifiers: ClinVar variation 1498414 (VCV001498414.8), dbSNP rs2154239333, ClinGen allele CA366147531.